The following is an entry in ClinVar:

NM_024426.6(WT1):c.818A>G (p.Tyr273Cys)

Gene: WT1 (WT1 transcription factor; minus strand). Cytogenetic location: 11p13.
Variant type: single nucleotide variant.
Coding change: c.818A>G on transcript NM_024426.6 (MANE Select); coding-DNA position 818, A replaced by G.
Protein change: p.Tyr273Cys; replaces tyrosine 273 with cysteine.
Molecular consequence: missense variant. On other transcripts: non-coding transcript variant (2).
Genome position (GRCh38, 1-based): chr11:32,428,025, T>C on the plus strand (A>G on the coding strand, the complement: WT1 is on the minus strand). VCF-style: chr11-32428025-T-C. GRCh37 (hg19) VCF-style: chr11-32449571-T-C.
Other names: c.599A>G, p.Tyr200Cys (NM_001429034.1, NM_001429031.1, NM_001429032.1 and 1 more transcripts); c.818A>G, p.Tyr273Cys (NM_024424.5, NM_000378.6, NM_001407044.1 and 4 more transcripts); c.167A>G, p.Tyr56Cys (NM_001198551.2, NM_001198552.2); c.695A>G, p.Tyr232Cys (NM_001407047.1, NM_001407050.1); c.56A>G, p.Tyr19Cys (NM_001407051.1); short protein forms Y19C, Y200C, Y273C, Y56C, Y232C, Y268C.
Identifiers: ClinVar variation 4825397 (VCV004825397.1).

ClinVar aggregate classification (germline): Uncertain significance (1 of 4 stars; one submission).

Conditions:
Inborn genetic diseases. Identifiers: MedGen C0950123, MeSH D030342.

gnomAD v4.1: 1 of 1,610,376 alleles (0.000062%); highest among the groups gnomAD compares: South Asian, 0.0011%; no homozygotes.

Submission:

Ambry Genetics
Classification: Uncertain significance for Inborn genetic diseases. Last evaluated: 2026-01-29. Review status: criteria provided, single submitter. Criteria: Ambry Variant Classification Scheme 2023. Collection method: clinical testing. Allele origin: germline.
Comment: The p.Y268C variant (also known as c.803A>G), located in coding exon 3 of the WT1 gene, results from an A to G substitution at nucleotide position 803. The tyrosine at codon 268 is replaced by cysteine, an amino acid with highly dissimilar properties. This amino acid position is well conserved in available vertebrate species. In addition, this alteration is predicted to be deleterious by in silico analysis. Based on the available evidence, the clinical significance of this variant remains unclear.